The following is an entry in ClinVar:

NM_005529.7(HSPG2):c.5998-7A>G

Gene: HSPG2 (heparan sulfate proteoglycan 2; minus strand). Cytogenetic location: 1p36.12.
Variant type: single nucleotide variant.
Coding change: c.5998-7A>G on transcript NM_005529.7 (MANE Select); 7 bases into the intron before coding-DNA position 5998, A replaced by G.
Molecular consequence: intron variant.
Genome position (GRCh38, 1-based): chr1:21,854,990, T>C on the plus strand (A>G on the coding strand, the complement: HSPG2 is on the minus strand). VCF-style: chr1-21854990-T-C. GRCh37 (hg19) VCF-style: chr1-22181483-T-C.
Other names: c.6001-7A>G (NM_001291860.2).
Identifiers: ClinVar variation 295820 (VCV000295820.30), dbSNP rs148336692, ClinGen allele CA671716.

ClinVar aggregate classification (germline): Benign/Likely benign. Review status: criteria provided, multiple submitters, no conflicts (2 of 4 stars). 10 submissions from 9 submitters: Benign (5); Likely benign (3). 2 of the submissions do not count toward it. Last evaluated 2026-01-18.

Conditions:
Lethal Kniest-like syndrome (DDSH). Also called: Dyssegmental Dysplasia. Identifiers: Orphanet 1865, MedGen C1857100, MONDO:0009140, OMIM 224410.
Schwartz-Jampel syndrome. Also called: Myotonic myopathy dwarfism chondrodystrophy and ocular and facial abnormalities. Identifiers: Orphanet 800, MedGen C0036391, MONDO:0009717.
Connective tissue disorder. Also called: Connective tissue disease. Identifiers: MedGen C0009782, MONDO:0003900.

Allele frequency attached by ClinVar (database versions not stated): 1000 Genomes Project 30x 0.00406; 1000 Genomes Project 0.00419; ExAC 0.01139; TOPMed 0.01173; gnomAD exomes 0.01190 and 0.01826; gnomAD 0.01202 and 0.01243; ESP Exome Variant Server 0.01392.
gnomAD v4.1: 28,374 of 1,611,370 alleles (1.8%); highest among the groups gnomAD compares: Non-Finnish European, 2.1%; 312 homozygotes.

Submissions (10):

Labcorp Genetics (formerly Invitae), Labcorp
Classification: Benign. Last evaluated: 2026-01-18. Review status: criteria provided, single submitter. Criteria: Invitae Variant Classification Sherloc (09022015). Collection method: clinical testing. Allele origin: germline.

Blueprint Genetics
Classification: Likely benign. Last evaluated: 2024-11-26. Review status: criteria provided, single submitter. Criteria: ACMG Guidelines, 2015. Collection method: clinical testing. Allele origin: germline.

ARUP Laboratories, Molecular Genetics and Genomics, ARUP Laboratories
Classification: Benign. Last evaluated: 2023-10-26. Review status: criteria provided, single submitter. Criteria: ARUP Molecular Germline Variant Investigation Process 2024. Collection method: clinical testing. Allele origin: germline.

GeneDx
Classification: Likely benign. Last evaluated: 2021-03-04. Review status: criteria provided, single submitter. Criteria: GeneDx Variant Classification Process June 2021. Collection method: clinical testing. Allele origin: germline. Affected: yes.

Genome Diagnostics Laboratory, The Hospital for Sick Children
Classification: Benign for Connective tissue disorder. Last evaluated: 2020-07-09. Review status: criteria provided, single submitter. Criteria: ACMG Guidelines, 2015. Collection method: clinical testing. Allele origin: germline.

Illumina Laboratory Services, Illumina
Classification: Benign for Lethal Kniest-like syndrome. Last evaluated: 2018-01-12. Review status: criteria provided, single submitter. Criteria: ICSL Variant Classification Criteria 13 December 2019. Collection method: clinical testing. Allele origin: germline.
Comment: This variant was observed in the ICSL laboratory as part of a predisposition screen in an ostensibly healthy population. It had not been previously curated by ICSL or reported in the Human Gene Mutation Database (HGMD: prior to June 1st, 2018), and was therefore a candidate for classification through an automated scoring system. Utilizing variant allele frequency, disease prevalence and penetrance estimates, and inheritance mode, an automated score was calculated to assess if this variant is too frequent to cause the disease. Based on the score and internal cut-off values, a variant classified as benign is not then subjected to further curation. The score for this variant resulted in a classification of benign for this disease.

Illumina Laboratory Services, Illumina
Classification: Benign for Schwartz-Jampel syndrome type 1. Last evaluated: 2018-01-12. Review status: criteria provided, single submitter. Criteria: ICSL Variant Classification Criteria 13 December 2019. Collection method: clinical testing. Allele origin: germline.
Comment: the same text as in the submission from Illumina Laboratory Services, Illumina above.

Breakthrough Genomics
Classification: Likely benign. Review status: criteria provided, single submitter. Criteria: ACMG Guidelines, 2015. Collection method: not provided. Allele origin: germline. Inheritance: Autosomal recessive inheritance. Affected: yes.

Genome Diagnostics Laboratory, University Medical Center Utrecht
Classification: Benign. Review status: no assertion criteria provided. Collection method: clinical testing. Allele origin: germline. Affected: yes. Study: VKGL Data-share Consensus. Not counted in ClinVar's aggregate classification.

Laboratory of Diagnostic Genome Analysis, Leiden University Medical Center (LUMC)
Classification: Likely benign. Review status: no assertion criteria provided. Collection method: clinical testing. Allele origin: germline. Affected: yes. Study: VKGL Data-share Consensus. Not counted in ClinVar's aggregate classification.